The following is an entry in ClinVar:

ClinVar aggregate classification (germline): Uncertain significance. Review status: criteria provided, multiple submitters, no conflicts (2 of 4 stars). 3 submissions from 3 submitters: Uncertain significance (3). Last evaluated 2026-08-26.

Conditions:
Cardiovascular phenotype. Identifiers: MedGen CN230736.
Hereditary cancer-predisposing syndrome. Also called: Tumor predisposition; Hereditary Cancer Syndrome; Hereditary neoplastic syndrome; Neoplastic Syndromes, Hereditary. Identifiers: Orphanet 140162, MedGen C0027672, MeSH D009386, MONDO:0015356.
Neurofibromatosis, type 1 (NF1). Also called: VON RECKLINGHAUSEN DISEASE; Peripheral type neurofibromatosis; Neurofibromatosis, type I; NEUROFIBROMATOSIS, TYPE I, SOMATIC. Identifiers: Orphanet 636, MedGen C0027831, MONDO:0018975, OMIM 162200. Disease mechanism: loss of function.

Submissions (3):

Ambry Genetics
Classification: Uncertain significance for Cardiovascular phenotype; Hereditary cancer-predisposing syndrome. Last evaluated: 2026-08-26. Review status: criteria provided, single submitter. Criteria: Ambry Variant Classification Scheme 2023. Collection method: clinical testing. Allele origin: germline.
Comment: The p.P1395R variant (also known as c.4184C>G), located in coding exon 31 of the NF1 gene, results from a C to G substitution at nucleotide position 4184. The proline at codon 1395 is replaced by arginine, an amino acid with dissimilar properties. Based on internal structural analysis, this variant is more disruptive than known pathogenic variants (Scheffzek K et al. EMBO J, 1998 Aug;17:4313-27; Rabara D et al. Proc Natl Acad Sci U S A, 2019 Oct;116:22122-22131; Ambry internal data). This amino acid position is highly conserved in available vertebrate species. In addition, this alteration is predicted to be deleterious by in silico analysis. Based on the available evidence, the clinical significance of this variant remains unclear.

Blueprint Genetics
Classification: Uncertain significance. Last evaluated: 2022-04-05. Review status: criteria provided, single submitter. Criteria: ACMG Guidelines, 2015. Collection method: clinical testing. Allele origin: germline.

Labcorp Genetics (formerly Invitae), Labcorp
Classification: Uncertain significance for Neurofibromatosis, type 1. Last evaluated: 2020-02-17. Review status: criteria provided, single submitter. Criteria: Invitae Variant Classification Sherloc (09022015). Collection method: clinical testing. Allele origin: germline.
Comment: This sequence change replaces proline with arginine at codon 1395 of the NF1 protein (p.Pro1395Arg). The proline residue is highly conserved and there is a moderate physicochemical difference between proline and arginine. This variant is not present in population databases (ExAC no frequency). This variant has not been reported in the literature in individuals with NF1-related conditions. Algorithms developed to predict the effect of missense changes on protein structure and function are either unavailable or do not agree on the potential impact of this missense change (SIFT: Deleterious; PolyPhen-2: Possibly Damaging; Align-GVGD: Class C0). In summary, the available evidence is currently insufficient to determine the role of this variant in disease. Therefore, it has been classified as a Variant of Uncertain Significance.

Literature cited by the submitters: PubMed 31611389 (cited by Ambry Genetics); PubMed 9687500 (cited by Ambry Genetics).

NM_001042492.3(NF1):c.4247C>G (p.Pro1416Arg)

Gene: NF1 (neurofibromin 1; plus strand). Cytogenetic location: 17q11.2.
Variant type: single nucleotide variant.
Coding change: c.4247C>G on transcript NM_001042492.3 (MANE Select); coding-DNA position 4247, C replaced by G.
Protein change: p.Pro1416Arg; replaces proline 1416 with arginine.
Molecular consequence: missense variant.
Genome position (GRCh38, 1-based): chr17:31,258,417, C>G. VCF-style: chr17-31258417-C-G. GRCh37 (hg19) VCF-style: chr17-29585435-C-G.
Other names: c.4184C>G, p.Pro1395Arg (NM_000267.4); short protein forms P1395R, P1416R.
Identifiers: ClinVar variation 1005475 (VCV001005475.3), dbSNP rs1555618521, ClinGen allele CA398997888.
Genomic context (GRCh38, chr17:31,258,417, plus strand): 5'-GTTTCCCTCAGAACAGCATCGGTGCAGTAGGAAGTGCCATGTTCCTCAGATTTATCAATC[C>G]TGCCATTGTCTCACCGTATGAAGCAGGGATTTTAGATAAAAAGCCACCACCTAGAATCGA-3'
Protein context (NP_001035957.1, residues 1406-1426): GSAMFLRFIN[Pro1416Arg]AIVSPYEAGI